The following is an entry in ClinVar:

ClinVar aggregate classification (germline): Uncertain significance (1 of 4 stars; one submission).

gnomAD v4.1: 1 of 1,591,112 alleles (0.000063%); no homozygotes.

Submission:

Labcorp Genetics (formerly Invitae), Labcorp
Classification: Uncertain significance. Last evaluated: 2022-04-18. Review status: criteria provided, single submitter. Criteria: Invitae Variant Classification Sherloc (09022015). Collection method: clinical testing. Allele origin: germline.
Comment: Algorithms developed to predict the effect of missense changes on protein structure and function are either unavailable or do not agree on the potential impact of this missense change (SIFT: "Deleterious"; PolyPhen-2: "Benign"; Align-GVGD: "Class C0"). In summary, the available evidence is currently insufficient to determine the role of this variant in disease. Therefore, it has been classified as a Variant of Uncertain Significance. This variant has not been reported in the literature in individuals affected with PLEKHM2-related conditions. This variant is not present in population databases (gnomAD no frequency). This sequence change replaces aspartic acid, which is acidic and polar, with valine, which is neutral and non-polar, at codon 519 of the PLEKHM2 protein (p.Asp519Val).

NM_015164.4(PLEKHM2):c.1556A>T (p.Asp519Val)

Gene: PLEKHM2 (pleckstrin homology and RUN domain containing M2; plus strand). Cytogenetic location: 1p36.21.
Variant type: single nucleotide variant.
Coding change: c.1556A>T on transcript NM_015164.4 (MANE Select); coding-DNA position 1556, A replaced by T.
Protein change: p.Asp519Val; replaces aspartic acid 519 with valine.
Molecular consequence: missense variant.
Genome position (GRCh38, 1-based): chr1:15,727,628, A>T. VCF-style: chr1-15727628-A-T. GRCh37 (hg19) VCF-style: chr1-16054123-A-T.
Other names: c.1496A>T, p.Asp499Val (NM_001410755.1); short protein forms D499V, D519V.
Identifiers: ClinVar variation 2168193 (VCV002168193.4), dbSNP rs2522445720, ClinGen allele CA338587701.